The following is an entry in ClinVar:

ClinVar aggregate classification (germline): Conflicting classifications of pathogenicity. Review status: criteria provided, conflicting classifications (1 of 4 stars). 4 submissions from 4 submitters: Uncertain significance (1); Benign (1); Likely benign (1). 1 of the submissions does not count toward it. Last evaluated 2026-01-05.

Conditions:
SALL4-Related Disorders. Also called: SALL4-related disorder; SALL4-related condition. Identifiers: MedGen CN381056.
Duane-radial ray syndrome (DRRS). Also called: ACRORENOOCULAR SYNDROME; DR SYNDROME; DUANE ANOMALY WITH RADIAL RAY ABNORMALITIES AND DEAFNESS; Duane-Radial Ray Syndrome/Okihiro Syndrome; Duane-Radial Ray Syndrome (DRRS) / Okihiro Syndrome; Okihiro Syndrome. Identifiers: Orphanet 93293, Orphanet 959, MedGen C1623209, MONDO:0011812, OMIM 607323. Disease mechanism: gain of function.

Allele frequency attached by ClinVar (database versions not stated): 1000 Genomes Project 30x 0.00016; ExAC 0.00016; 1000 Genomes Project 0.00020; gnomAD exomes 0.00020 and 0.00031; gnomAD 0.00038 and 0.00041; TOPMed 0.00049; ESP Exome Variant Server 0.00054.
gnomAD v4.1: 512 of 1,614,200 alleles (0.032%); highest among the groups gnomAD compares: African/African-American, 0.088%; no homozygotes.

Submissions (4):

Labcorp Genetics (formerly Invitae), Labcorp
Classification: Benign for Duane-radial ray syndrome. Last evaluated: 2026-01-05. Review status: criteria provided, single submitter. Criteria: Invitae Variant Classification Sherloc (09022015). Collection method: clinical testing. Allele origin: germline.

Blueprint Genetics
Classification: Likely benign. Last evaluated: 2024-04-12. Review status: criteria provided, single submitter. Criteria: ACMG Guidelines, 2015. Collection method: clinical testing. Allele origin: germline.

GeneDx
Classification: Uncertain significance. Last evaluated: 2021-08-20. Review status: criteria provided, single submitter. Criteria: GeneDx Variant Classification Process June 2021. Collection method: clinical testing. Allele origin: germline. Affected: yes.
Comment: In silico analysis supports that this missense variant does not alter protein structure/function; Has not been previously published as pathogenic or benign to our knowledge

PreventionGenetics, part of Exact Sciences
Classification: Likely benign for SALL4-related condition. Last evaluated: 2023-06-05. Review status: no assertion criteria provided. Collection method: clinical testing. Allele origin: germline. Not counted in ClinVar's aggregate classification.
Comment: This variant is classified as likely benign based on ACMG/AMP sequence variant interpretation guidelines (Richards et al. 2015 PMID: 25741868, with internal and published modifications).

NM_020436.5(SALL4):c.2162C>T (p.Thr721Met)

Gene: SALL4 (spalt like transcription factor 4; minus strand). Cytogenetic location: 20q13.2.
Variant type: single nucleotide variant.
Coding change: c.2162C>T on transcript NM_020436.5 (MANE Select); coding-DNA position 2162, C replaced by T.
Protein change: p.Thr721Met; replaces threonine 721 with methionine.
Molecular consequence: missense variant. On other transcripts: intron variant (1).
Genome position (GRCh38, 1-based): chr20:51,790,321, G>A on the plus strand (C>T on the coding strand, the complement: SALL4 is on the minus strand). VCF-style: chr20-51790321-G-A. GRCh37 (hg19) VCF-style: chr20-50406860-G-A.
Other names: c.2162C>T (NM_020436.4, LRG_675t1); c.1150+1012C>T (NM_001318031.2); short protein forms T721M.
Identifiers: ClinVar variation 338771 (VCV000338771.16), dbSNP rs147195029, ClinGen allele CA9912155.